The following is an entry in ClinVar:

ClinVar aggregate classification (germline): Uncertain significance (1 of 4 stars; one submission).

Submission:

GeneDx
Classification: Uncertain significance. Last evaluated: 2024-12-17. Review status: criteria provided, single submitter. Criteria: GeneDx Variant Classification Process June 2021. Collection method: clinical testing. Allele origin: germline. Affected: yes.
Comment: Has not been previously published as pathogenic or benign to our knowledge; Not observed at significant frequency in large population cohorts (gnomAD); In silico analysis indicates that this missense variant does not alter protein structure/function

NM_001375524.1(TRRAP):c.6077A>G (p.Gln2026Arg)

Gene: TRRAP (transformation/transcription domain associated protein; plus strand). Cytogenetic location: 7q22.1.
Variant type: single nucleotide variant.
Coding change: c.6077A>G on transcript NM_001375524.1 (MANE Select); coding-DNA position 6077, A replaced by G.
Protein change: p.Gln2026Arg; replaces glutamine 2026 with arginine.
Molecular consequence: missense variant.
Genome position (GRCh38, 1-based): chr7:98,956,285, A>G. VCF-style: chr7-98956285-A-G. GRCh37 (hg19) VCF-style: chr7-98553908-A-G.
Other names: c.6056A>G, p.Gln2019Arg (NM_001244580.2); c.6002A>G, p.Gln2001Arg (NM_003496.4); short protein forms Q2001R, Q2019R, Q2026R.
Identifiers: ClinVar variation 3906622 (VCV003906622.1).
Genomic context (GRCh38, chr7:98,956,285, plus strand): 5'-CCATCGAGCAGAGGCGGCTGGCCGTGGACCTGTCTGAAGTCGTCATCAAGTGGGAGCTGC[A>G]GAGGATCAAGGACCAGCAGGTAGGGGTGTCAGCCTCAGGGGTGCCCCGATCGTCTTCCTT-3'
Protein context (NP_001362453.1, residues 2016-2036): LSEVVIKWEL[Gln2026Arg]RIKDQQPDSD